The following is an entry in ClinVar:

ClinVar aggregate classification (germline): Uncertain significance (1 of 4 stars; one submission).

gnomAD v4.1: 11 of 1,605,030 alleles (0.00069%); highest among the groups gnomAD compares: South Asian, 0.0079%; no homozygotes.

Submission:

Athena Diagnostics
Classification: Uncertain significance. Last evaluated: 2024-05-03. Review status: criteria provided, single submitter. Criteria: Athena Diagnostics Criteria. Collection method: clinical testing. Allele origin: unknown.
Comment: Available data are insufficient to determine the clinical significance of the variant at this time. The frequency of this variant in the general population is uninformative in assessment of its pathogenicity. Polyphen and MutationTaster predict this amino acid change may be benign.

NM_005529.7(HSPG2):c.10782C>A (p.Phe3594Leu)

Gene: HSPG2 (heparan sulfate proteoglycan 2; minus strand). Cytogenetic location: 1p36.12.
Variant type: single nucleotide variant.
Coding change: c.10782C>A on transcript NM_005529.7 (MANE Select); coding-DNA position 10782, C replaced by A.
Protein change: p.Phe3594Leu; replaces phenylalanine 3594 with leucine.
Molecular consequence: missense variant.
Genome position (GRCh38, 1-based): chr1:21,833,864, G>T on the plus strand (C>A on the coding strand, the complement: HSPG2 is on the minus strand). VCF-style: chr1-21833864-G-T. GRCh37 (hg19) VCF-style: chr1-22160357-G-T.
Other names: c.10785C>A, p.Phe3595Leu (NM_001291860.2); short protein forms F3595L, F3594L.
Identifiers: ClinVar variation 3571818 (VCV003571818.1).